The following is an entry in ClinVar:

NM_006035.4(CDC42BPB):c.1414C>T (p.His472Tyr)

Gene: CDC42BPB (CDC42 binding protein kinase beta; minus strand). Cytogenetic location: 14q32.32.
Variant type: single nucleotide variant.
Coding change: c.1414C>T on transcript NM_006035.4 (MANE Select); coding-DNA position 1414, C replaced by T.
Protein change: p.His472Tyr; replaces histidine 472 with tyrosine.
Molecular consequence: missense variant.
Genome position (GRCh38, 1-based): chr14:102,975,777, G>A on the plus strand (C>T on the coding strand, the complement: CDC42BPB is on the minus strand). VCF-style: chr14-102975777-G-A. GRCh37 (hg19) VCF-style: chr14-103442114-G-A.
Other names: c.1414C>T, p.His472Tyr (NM_001411054.1); short protein forms H472Y.
Identifiers: ClinVar variation 3902050 (VCV003902050.1).

ClinVar aggregate classification (germline): Uncertain significance (1 of 4 stars; one submission).

Conditions:
Chilton-Okur-Chung neurodevelopmental syndrome (CHOCNS). Identifiers: MedGen C5677022, MONDO:0859239, OMIM 619841.

Submission:

Laboratorio de Genetica e Diagnostico Molecular, Hospital Israelita Albert Einstein
Classification: Uncertain significance for Chilton-Okur-Chung neurodevelopmental syndrome. Last evaluated: 2024-06-09. Review status: criteria provided, single submitter. Criteria: ACMG Guidelines, 2015. Collection method: clinical testing. Allele origin: germline. Affected: yes.
Comment: ACMG classification criteria: PM2 supporting, PP2 supporting, BP4 supporting